The following is an entry in ClinVar:

NM_005228.5(EGFR):c.439G>C (p.Ala147Pro)

Gene: EGFR (epidermal growth factor receptor; plus strand). Cytogenetic location: 7p11.2.
Variant type: single nucleotide variant.
Coding change: c.439G>C on transcript NM_005228.5 (MANE Select); coding-DNA position 439, G replaced by C.
Protein change: p.Ala147Pro; replaces alanine 147 with proline.
Molecular consequence: missense variant. On other transcripts: intron variant (3).
Genome position (GRCh38, 1-based): chr7:55,146,620, G>C. VCF-style: chr7-55146620-G-C. GRCh37 (hg19) VCF-style: chr7-55214313-G-C.
Other names: c.439G>C, p.Ala147Pro (NM_201282.2, NM_201283.2, NM_201284.2 and 1 more transcripts); c.424+3132G>C (NM_001346899.2, NM_001346897.2); c.89-9210G>C (NM_001346941.2); c.439G>C (NM_005228.3); c.280G>C, p.Ala94Pro (NM_001346900.2); short protein forms A147P, A94P.
Identifiers: ClinVar variation 1370857 (VCV001370857.6), dbSNP rs532655845, ClinGen allele CA158901246.

ClinVar aggregate classification (germline): Uncertain significance. Review status: criteria provided, multiple submitters, no conflicts (2 of 4 stars). 2 submissions from 2 submitters: Uncertain significance (2). Last evaluated 2025-10-16.

Conditions:
Hereditary cancer-predisposing syndrome. Also called: Neoplastic Syndromes, Hereditary; Tumor predisposition; Hereditary neoplastic syndrome; Hereditary Cancer Syndrome. Identifiers: Orphanet 140162, MedGen C0027672, MeSH D009386, MONDO:0015356.
EGFR-related lung cancer (EGFR). Identifiers: MedGen CN130014.

gnomAD v4.1: 7 of 1,614,066 alleles (0.00043%); highest among the groups gnomAD compares: Non-Finnish European, 0.00059%; no homozygotes.

Submissions (2):

Ambry Genetics
Classification: Uncertain significance for Hereditary cancer-predisposing syndrome. Last evaluated: 2025-10-16. Review status: criteria provided, single submitter. Criteria: Ambry Variant Classification Scheme 2023. Collection method: clinical testing. Allele origin: germline.
Comment: The p.A147P variant (also known as c.439G>C), located in coding exon 4 of the EGFR gene, results from a G to C substitution at nucleotide position 439. The alanine at codon 147 is replaced by proline, an amino acid with highly similar properties. This amino acid position is conserved. In addition, the in silico prediction for this alteration is inconclusive. Based on the available evidence, the clinical significance of this variant remains unclear.

Labcorp Genetics (formerly Invitae), Labcorp
Classification: Uncertain significance for EGFR-related lung cancer. Last evaluated: 2024-11-06. Review status: criteria provided, single submitter. Criteria: Invitae Variant Classification Sherloc (09022015). Collection method: clinical testing. Allele origin: germline.
Comment: This sequence change replaces alanine, which is neutral and non-polar, with proline, which is neutral and non-polar, at codon 147 of the EGFR protein (p.Ala147Pro). This variant is not present in population databases (gnomAD no frequency). This variant has not been reported in the literature in individuals affected with EGFR-related conditions. ClinVar contains an entry for this variant (Variation ID: 1370857). An algorithm developed to predict the effect of missense changes on protein structure and function (PolyPhen-2) suggests that this variant is likely to be disruptive. In summary, the available evidence is currently insufficient to determine the role of this variant in disease. Therefore, it has been classified as a Variant of Uncertain Significance.